The following is an entry in ClinVar:

NM_000245.4(MET):c.1220C>T (p.Ser407Leu)

Gene: MET (MET proto-oncogene, receptor tyrosine kinase; plus strand). Cytogenetic location: 7q31.2.
Variant type: single nucleotide variant.
Coding change: c.1220C>T on transcript NM_000245.4 (MANE Select); coding-DNA position 1220, C replaced by T.
Protein change: p.Ser407Leu; replaces serine 407 with leucine.
Molecular consequence: missense variant. On other transcripts: 5 prime UTR variant (1).
Genome position (GRCh38, 1-based): chr7:116,731,687, C>T. VCF-style: chr7-116731687-C-T. GRCh37 (hg19) VCF-style: chr7-116371741-C-T.
Other names: c.1220C>T, p.Ser407Leu (NM_001127500.3, NM_001324401.3); c.-71C>T (NM_001324402.2); short protein forms S407L.
Identifiers: ClinVar variation 565675 (VCV000565675.13), dbSNP rs764580322, ClinGen allele CA4448116.

ClinVar aggregate classification (germline): Conflicting classifications of pathogenicity. Review status: criteria provided, conflicting classifications (1 of 4 stars). 2 submissions from 2 submitters: Uncertain significance (1); Likely benign (1). Last evaluated 2025-08-02.

Conditions:
Renal cell carcinoma. Identifiers: Orphanet 217071, MedGen C0007134, MeSH D002292, MONDO:0005086, HP:0005584.
Hereditary cancer-predisposing syndrome. Also called: Hereditary neoplastic syndrome; Neoplastic Syndromes, Hereditary; Tumor predisposition; Hereditary Cancer Syndrome. Identifiers: Orphanet 140162, MedGen C0027672, MeSH D009386, MONDO:0015356.

Allele frequency attached by ClinVar (database versions not stated): gnomAD exomes below 0.00001; TOPMed below 0.00001; ExAC 0.00001.
gnomAD v4.1: 2 of 1,614,100 alleles (0.00012%); highest among the groups gnomAD compares: Non-Finnish European, 0.00017%; no homozygotes.

Submissions (2):

Labcorp Genetics (formerly Invitae), Labcorp
Classification: Uncertain significance for Renal cell carcinoma. Last evaluated: 2025-08-02. Review status: criteria provided, single submitter. Criteria: Invitae Variant Classification Sherloc (09022015). Collection method: clinical testing. Allele origin: germline.
Comment: This sequence change replaces serine, which is neutral and polar, with leucine, which is neutral and non-polar, at codon 407 of the MET protein (p.Ser407Leu). This variant is present in population databases (rs764580322, gnomAD 0.0009%). This variant has not been reported in the literature in individuals affected with MET-related conditions. ClinVar contains an entry for this variant (Variation ID: 565675). Invitae Evidence Modeling of protein sequence and biophysical properties (such as structural, functional, and spatial information, amino acid conservation, physicochemical variation, residue mobility, and thermodynamic stability) indicates that this missense variant is not expected to disrupt MET protein function with a negative predictive value of 80%. In summary, the available evidence is currently insufficient to determine the role of this variant in disease. Therefore, it has been classified as a Variant of Uncertain Significance.

Ambry Genetics
Classification: Likely benign for Hereditary cancer-predisposing syndrome. Last evaluated: 2025-01-14. Review status: criteria provided, single submitter. Criteria: Ambry Variant Classification Scheme 2023. Collection method: clinical testing. Allele origin: germline.